The following is an entry in ClinVar:

NM_000260.4(MYO7A):c.6134A>G (p.Lys2045Arg)

Gene: MYO7A (myosin VIIA; plus strand). Cytogenetic location: 11q13.5.
Variant type: single nucleotide variant.
Coding change: c.6134A>G on transcript NM_000260.4 (MANE Select); coding-DNA position 6134, A replaced by G.
Protein change: p.Lys2045Arg; replaces lysine 2045 with arginine.
Molecular consequence: missense variant.
Genome position (GRCh38, 1-based): chr11:77,211,234, A>G. VCF-style: chr11-77211234-A-G. GRCh37 (hg19) VCF-style: chr11-76922279-A-G.
Other names: c.6020A>G, p.Lys2007Arg (NM_001127180.2); c.5987A>G, p.Lys1996Arg (NM_001369365.1); c.6134A>G (NM_000260.3); short protein forms K2045R, K1996R, K2007R.
Identifiers: ClinVar variation 1498264 (VCV001498264.8), dbSNP rs1156654739, ClinGen allele CA381935879.
Genomic context (GRCh38, chr11:77,211,234, plus strand): 5'-GCTACCACAAGTGCACGCGGGAGGAGGTGCTGCAGCTGGGGGCGCTGATCTACAGGGTCA[A>G]GTTCGAGGAGGACAAGTCCTACTTCCCCAGCATCCCCAAGCTGCTGCGGGAGCTGGTGCC-3'
Protein context (NP_000251.3, residues 2035-2055): LQLGALIYRV[Lys2045Arg]FEEDKSYFPS

ClinVar aggregate classification (germline): Uncertain significance. Review status: criteria provided, multiple submitters, no conflicts (2 of 4 stars). 2 submissions from 2 submitters: Uncertain significance (2). Last evaluated 2026-05-18.

Conditions:
MYO7A-related disorder. Also called: MYO7A-related disorders.

Allele frequency attached by ClinVar (database versions not stated): gnomAD exomes below 0.00001.
gnomAD v4.1: 1 of 1,587,968 alleles (0.000063%); highest among the groups gnomAD compares: African/African-American, 0.0013%; no homozygotes.

Submissions (2):

PreventionGenetics, part of Exact Sciences
Classification: Uncertain significance for MYO7A-related condition. Last evaluated: 2026-05-18. Review status: criteria provided, single submitter. Criteria: ACMG Guidelines, 2015. Collection method: clinical testing. Allele origin: germline.
Comment: The MYO7A c.6134A>G variant is predicted to result in the amino acid substitution p.Lys2045Arg. To our knowledge, this variant has not been reported in the literature or in a large population database (gnomAD), indicating this variant is rare. At this time, the clinical significance of this variant is uncertain due to the absence of conclusive functional and genetic evidence.

Labcorp Genetics (formerly Invitae), Labcorp
Classification: Uncertain significance. Last evaluated: 2024-11-07. Review status: criteria provided, single submitter. Criteria: Invitae Variant Classification Sherloc (09022015). Collection method: clinical testing. Allele origin: germline.
Comment: This sequence change replaces lysine, which is basic and polar, with arginine, which is basic and polar, at codon 2045 of the MYO7A protein (p.Lys2045Arg). This variant is not present in population databases (gnomAD no frequency). This variant has not been reported in the literature in individuals affected with MYO7A-related conditions. ClinVar contains an entry for this variant (Variation ID: 1498264). Invitae Evidence Modeling of protein sequence and biophysical properties (such as structural, functional, and spatial information, amino acid conservation, physicochemical variation, residue mobility, and thermodynamic stability) indicates that this missense variant is not expected to disrupt MYO7A protein function with a negative predictive value of 95%. In summary, the available evidence is currently insufficient to determine the role of this variant in disease. Therefore, it has been classified as a Variant of Uncertain Significance.